The following is an entry in ClinVar:

ClinVar aggregate classification (germline): Uncertain significance. Review status: criteria provided, multiple submitters, no conflicts (2 of 4 stars). 2 submissions from 2 submitters: Uncertain significance (2). Last evaluated 2024-11-04.

Conditions:
Hereditary cancer-predisposing syndrome. Also called: Hereditary Cancer Syndrome; Neoplastic Syndromes, Hereditary; Hereditary neoplastic syndrome; Tumor predisposition. Identifiers: Orphanet 140162, MedGen C0027672, MeSH D009386, MONDO:0015356.
Neurofibromatosis, type 2 (SWNV). Also called: BILATERAL ACOUSTIC NEUROFIBROMATOSIS; SCHWANNOMATOSIS, VESTIBULAR; NF2-Related Schwannomatosis. Identifiers: Orphanet 637, MedGen C0027832, MONDO:0007039, OMIM 101000. Disease mechanism: loss of function.

Allele frequency attached by ClinVar (database versions not stated): gnomAD exomes below 0.00001; TOPMed below 0.00001.
gnomAD v4.1: 1 of 1,613,938 alleles (0.000062%); highest among the groups gnomAD compares: Non-Finnish European, 0.000085%; no homozygotes.

Submissions (2):

Labcorp Genetics (formerly Invitae), Labcorp
Classification: Uncertain significance for Neurofibromatosis, type 2. Last evaluated: 2024-11-04. Review status: criteria provided, single submitter. Criteria: Invitae Variant Classification Sherloc (09022015). Collection method: clinical testing. Allele origin: germline.
Comment: This sequence change replaces methionine, which is neutral and non-polar, with threonine, which is neutral and polar, at codon 321 of the NF2 protein (p.Met321Thr). This variant is not present in population databases (gnomAD no frequency). This variant has not been reported in the literature in individuals affected with NF2-related conditions. ClinVar contains an entry for this variant (Variation ID: 1437478). Invitae Evidence Modeling of protein sequence and biophysical properties (such as structural, functional, and spatial information, amino acid conservation, physicochemical variation, residue mobility, and thermodynamic stability) indicates that this missense variant is expected to disrupt NF2 protein function with a positive predictive value of 80%. In summary, the available evidence is currently insufficient to determine the role of this variant in disease. Therefore, it has been classified as a Variant of Uncertain Significance.

Ambry Genetics
Classification: Uncertain significance for Hereditary cancer-predisposing syndrome. Last evaluated: 2024-01-04. Review status: criteria provided, single submitter. Criteria: Ambry Variant Classification Scheme 2023. Collection method: clinical testing. Allele origin: germline.
Comment: The p.M321T variant (also known as c.962T>C), located in coding exon 10 of the NF2 gene, results from a T to C substitution at nucleotide position 962. The methionine at codon 321 is replaced by threonine, an amino acid with similar properties. This amino acid position is highly conserved in available vertebrate species. In addition, this alteration is predicted to be deleterious by in silico analysis. Since supporting evidence is limited at this time, the clinical significance of this alteration remains unclear.

NM_000268.4(NF2):c.962T>C (p.Met321Thr)

Gene: NF2 (NF2, moesin-ezrin-radixin like (MERLIN) tumor suppressor; plus strand). Cytogenetic location: 22q12.2.
Variant type: single nucleotide variant.
Coding change: c.962T>C on transcript NM_000268.4 (MANE Select); coding-DNA position 962, T replaced by C.
Protein change: p.Met321Thr; replaces methionine 321 with threonine.
Molecular consequence: missense variant. On other transcripts: intron variant (1), non-coding transcript variant (1).
Genome position (GRCh38, 1-based): chr22:29,668,409, T>C. VCF-style: chr22-29668409-T-C. GRCh37 (hg19) VCF-style: chr22-30064398-T-C.
Other names: c.447+26124T>C (NM_181833.3); c.962T>C, p.Met321Thr (NM_016418.5, NM_181825.3, NM_181832.3); c.836T>C, p.Met279Thr (NM_181828.3); c.839T>C, p.Met280Thr (NM_181829.3); c.713T>C, p.Met238Thr (NM_181830.3, NM_181831.3); short protein forms M321T, M279T, M280T, M238T.
Identifiers: ClinVar variation 1437478 (VCV001437478.10), dbSNP rs2066688680, ClinGen allele CA411145951.